The following is an entry in ClinVar:

NM_015909.4(NBAS):c.6340G>C (p.Gly2114Arg)

Gene: NBAS (NBAS subunit of NRZ tethering complex; minus strand). Cytogenetic location: 2p24.3.
Variant type: single nucleotide variant.
Coding change: c.6340G>C on transcript NM_015909.4 (MANE Select); coding-DNA position 6340, G replaced by C.
Protein change: p.Gly2114Arg; replaces glycine 2114 with arginine.
Molecular consequence: missense variant.
Genome position (GRCh38, 1-based): chr2:15,218,865, C>G on the plus strand (G>C on the coding strand, the complement: NBAS is on the minus strand). VCF-style: chr2-15218865-C-G. GRCh37 (hg19) VCF-style: chr2-15358989-C-G.
Other names: short protein forms G2114R.
Identifiers: ClinVar variation 1914318 (VCV001914318.5), dbSNP rs1172057706, ClinGen allele CA345884498.

ClinVar aggregate classification (germline): Uncertain significance (1 of 4 stars; one submission).

Submission:

Labcorp Genetics (formerly Invitae), Labcorp
Classification: Uncertain significance. Last evaluated: 2022-11-01. Review status: criteria provided, single submitter. Criteria: Invitae Variant Classification Sherloc (09022015). Collection method: clinical testing. Allele origin: germline.
Comment: This sequence change replaces glycine, which is neutral and non-polar, with arginine, which is basic and polar, at codon 2114 of the NBAS protein (p.Gly2114Arg). This variant is present in population databases (no rsID available, gnomAD 0.003%). This variant has not been reported in the literature in individuals affected with NBAS-related conditions. Advanced modeling of protein sequence and biophysical properties (such as structural, functional, and spatial information, amino acid conservation, physicochemical variation, residue mobility, and thermodynamic stability) performed at Invitae indicates that this missense variant is not expected to disrupt NBAS protein function. In summary, the available evidence is currently insufficient to determine the role of this variant in disease. Therefore, it has been classified as a Variant of Uncertain Significance.